The following is an entry in ClinVar:

NM_138393.4(REEP6):c.451G>A (p.Val151Ile)

Gene: REEP6 (receptor accessory protein 6; plus strand). Cytogenetic location: 19p13.3.
Variant type: single nucleotide variant.
Coding change: c.451G>A on transcript NM_138393.4 (MANE Select); coding-DNA position 451, G replaced by A.
Protein change: p.Val151Ile; replaces valine 151 with isoleucine.
Molecular consequence: missense variant.
Genome position (GRCh38, 1-based): chr19:1,496,387, G>A. VCF-style: chr19-1496387-G-A. GRCh37 (hg19) VCF-style: chr19-1496386-G-A.
Other names: c.451G>A, p.Val151Ile (NM_001329556.3); short protein forms V151I.
Identifiers: ClinVar variation 1902234 (VCV001902234.6), dbSNP rs374145945, ClinGen allele CA9047580.

ClinVar aggregate classification (germline): Uncertain significance. Review status: criteria provided, multiple submitters, no conflicts (2 of 4 stars). 3 submissions from 3 submitters: Uncertain significance (3). Last evaluated 2024-08-01.

Conditions:
Inborn genetic diseases. Identifiers: MedGen C0950123, MeSH D030342.

Allele frequency attached by ClinVar (database versions not stated): ExAC 0.00013; ESP Exome Variant Server 0.00015; 1000 Genomes Project 30x 0.00016; 1000 Genomes Project 0.00020.
gnomAD v4.1: 82 of 1,613,166 alleles (0.0051%); highest among the groups gnomAD compares: South Asian, 0.065%; no homozygotes.

Submissions (3):

Ambry Genetics
Classification: Uncertain significance for Inborn genetic diseases. Last evaluated: 2024-08-01. Review status: criteria provided, single submitter. Criteria: Ambry Variant Classification Scheme 2023. Collection method: clinical testing. Allele origin: germline.

Blueprint Genetics
Classification: Uncertain significance. Last evaluated: 2024-06-07. Review status: criteria provided, single submitter. Criteria: ACMG Guidelines, 2015. Collection method: clinical testing. Allele origin: germline.

Labcorp Genetics (formerly Invitae), Labcorp
Classification: Uncertain significance. Last evaluated: 2023-12-07. Review status: criteria provided, single submitter. Criteria: Invitae Variant Classification Sherloc (09022015). Collection method: clinical testing. Allele origin: germline.
Comment: This sequence change replaces valine, which is neutral and non-polar, with isoleucine, which is neutral and non-polar, at codon 151 of the REEP6 protein (p.Val151Ile). This variant is present in population databases (rs374145945, gnomAD 0.05%). This variant has not been reported in the literature in individuals affected with REEP6-related conditions. ClinVar contains an entry for this variant (Variation ID: 1902234). Experimental studies and prediction algorithms are not available or were not evaluated, and the functional significance of this variant is currently unknown. In summary, the available evidence is currently insufficient to determine the role of this variant in disease. Therefore, it has been classified as a Variant of Uncertain Significance.